The following is an entry in ClinVar:

ClinVar aggregate classification (germline): Uncertain significance (1 of 4 stars; one submission).

Allele frequency attached by ClinVar (database versions not stated): gnomAD exomes below 0.00001; ExAC 0.00001; TOPMed 0.00001.
gnomAD v4.1: 4 of 1,614,220 alleles (0.00025%); highest among the groups gnomAD compares: East Asian, 0.0022%; no homozygotes.

Submission:

Labcorp Genetics (formerly Invitae), Labcorp
Classification: Uncertain significance. Last evaluated: 2023-12-11. Review status: criteria provided, single submitter. Criteria: Invitae Variant Classification Sherloc (09022015). Collection method: clinical testing. Allele origin: germline.
Comment: This sequence change replaces valine, which is neutral and non-polar, with leucine, which is neutral and non-polar, at codon 416 of the C8A protein (p.Val416Leu). This variant is present in population databases (rs753658569, gnomAD 0.006%). This variant has not been reported in the literature in individuals affected with C8A-related conditions. ClinVar contains an entry for this variant (Variation ID: 1986476). An algorithm developed to predict the effect of missense changes on protein structure and function (PolyPhen-2) suggests that this variant¬†is likely to be tolerated. In summary, the available evidence is currently insufficient to determine the role of this variant in disease. Therefore, it has been classified as a Variant of Uncertain Significance.

NM_000562.3(C8A):c.1246G>C (p.Val416Leu)

Gene: C8A (complement C8 alpha chain; plus strand). Cytogenetic location: 1p32.2.
Variant type: single nucleotide variant.
Coding change: c.1246G>C on transcript NM_000562.3 (MANE Select); coding-DNA position 1246, G replaced by C.
Protein change: p.Val416Leu; replaces valine 416 with leucine.
Molecular consequence: missense variant.
Genome position (GRCh38, 1-based): chr1:56,907,979, G>C. VCF-style: chr1-56907979-G-C. GRCh37 (hg19) VCF-style: chr1-57373652-G-C.
Other names: short protein forms V416L.
Identifiers: ClinVar variation 1986476 (VCV001986476.2), dbSNP rs753658569, ClinGen allele CA875313.